The following is an entry in ClinVar:

NM_030962.4(SBF2):c.3799T>C (p.Trp1267Arg)

Gene: SBF2 (SET binding factor 2; minus strand). Cytogenetic location: 11p15.4.
Variant type: single nucleotide variant.
Coding change: c.3799T>C on transcript NM_030962.4 (MANE Select); coding-DNA position 3799, T replaced by C.
Protein change: p.Trp1267Arg; replaces tryptophan 1267 with arginine.
Molecular consequence: missense variant.
Genome position (GRCh38, 1-based): chr11:9,817,019, A>G on the plus strand (T>C on the coding strand, the complement: SBF2 is on the minus strand). VCF-style: chr11-9817019-A-G. GRCh37 (hg19) VCF-style: chr11-9838566-A-G.
Other names: c.3895T>C, p.Trp1299Arg (NM_001386339.1); c.3670T>C, p.Trp1224Arg (NM_001386342.1); c.3835T>C, p.Trp1279Arg (NM_001424318.1, NM_001425070.1); c.3694T>C, p.Trp1232Arg (NM_001425069.1); short protein forms W1224R, W1232R, W1267R, W1279R, W1299R.
Identifiers: ClinVar variation 5019673 (VCV005019673.2).

ClinVar aggregate classification (germline): Uncertain significance (1 of 4 stars; one submission).

Conditions:
Charcot-Marie-Tooth disease type 4B2. Also called: CHARCOT-MARIE-TOOTH DISEASE, WITH FOCALLY FOLDED MYELIN SHEATHS, AUTOSOMAL RECESSIVE, TYPE 4B2; CHARCOT-MARIE-TOOTH DISEASE, DEMYELINATING, TYPE 4B2; Charcot-Marie-Tooth Neuropathy Type 4B2; CMT 4B2. Identifiers: Orphanet 99956, MedGen C1858278, MONDO:0011475, OMIM 604563.

Submission:

Juno Genomics, Hangzhou Juno Genomics, Inc
Classification: Uncertain significance for Charcot-Marie-Tooth disease type 4B2. Review status: criteria provided, single submitter. Criteria: ACMG Guidelines, 2015. Collection method: clinical testing. Allele origin: germline.
Comment: Absent from controls (or at extremely low frequency if recessive) in Genome Aggregation Database.;Multiple lines of computational evidence support a deleterious effect on the gene or gene product.